The following is an entry in ClinVar:

ClinVar aggregate classification (germline): Uncertain significance (0 of 4 stars; one submission).

Conditions:
Prostate cancer. Also called: Malignant tumor of prostate. Identifiers: Orphanet 1331, MedGen C0376358, MONDO:0008315, HP:0012125.

Submission:

Science for Life laboratory,  Karolinska Institutet
Classification: Uncertain significance for Malignant tumor of prostate. Review status: no assertion criteria provided. Collection method: not provided. Allele origin: somatic.
Comment: TumorID:SWE-92B
ClinVar note: Converted during submission from Unknown to Uncertain significance.

NM_000176.3(NR3C1):c.1244G>T (p.Gly415Val)

Gene: NR3C1 (nuclear receptor subfamily 3 group C member 1; minus strand). Cytogenetic location: 5q31.3.
Variant type: single nucleotide variant.
Coding change: c.1244G>T on transcript NM_000176.3 (MANE Select); coding-DNA position 1244, G replaced by T.
Protein change: p.Gly415Val; replaces glycine 415 with valine.
Molecular consequence: missense variant. On other transcripts: non-coding transcript variant (1).
Genome position (GRCh38, 1-based): chr5:143,314,109, C>A on the plus strand (G>T on the coding strand, the complement: NR3C1 is on the minus strand). VCF-style: chr5-143314109-C-A. GRCh37 (hg19) VCF-style: chr5-142693674-C-A.
Other names: c.1244G>T, p.Gly415Val (NM_001018074.1, NM_001018075.1, NM_001018076.2 and 10 more transcripts); c.1166G>T, p.Gly389Val (NM_001204258.2); c.989G>T, p.Gly330Val (NM_001204259.2); c.977G>T, p.Gly326Val (NM_001204260.2); c.953G>T, p.Gly318Val (NM_001204261.2); c.299G>T, p.Gly100Val (NM_001204262.2); c.254G>T, p.Gly85Val (NM_001204263.2); c.239G>T, p.Gly80Val (NM_001204264.2); short protein forms G415V, G100V, G80V, G318V, G326V, G330V, G85V, G389V.
Identifiers: ClinVar variation 161495 (VCV000161495.2), dbSNP rs193921137, ClinGen allele CA174138.